The following is an entry in ClinVar:

NM_001103.4(ACTN2):c.2039A>G (p.Gln680Arg)

Gene: ACTN2 (actinin alpha 2; plus strand). Cytogenetic location: 1q43.
Variant type: single nucleotide variant.
Coding change: c.2039A>G on transcript NM_001103.4 (MANE Select); coding-DNA position 2039, A replaced by G.
Protein change: p.Gln680Arg; replaces glutamine 680 with arginine.
Molecular consequence: missense variant.
Genome position (GRCh38, 1-based): chr1:236,755,083, A>G. VCF-style: chr1-236755083-A-G. GRCh37 (hg19) VCF-style: chr1-236918383-A-G.
Other names: c.2039A>G, p.Gln680Arg (NM_001278343.2); c.1415A>G, p.Gln472Arg (NM_001278344.2); c.2039A>G (NM_001103.2); short protein forms Q680R, Q472R.
Identifiers: ClinVar variation 1400743 (VCV001400743.9), dbSNP rs756567639, ClinGen allele CA1473331.

ClinVar aggregate classification (germline): Uncertain significance. Review status: criteria provided, multiple submitters, no conflicts (2 of 4 stars). 2 submissions from 2 submitters: Uncertain significance (2). Last evaluated 2025-05-26.

Conditions:
Primary familial hypertrophic cardiomyopathy (HCM). Identifiers: Orphanet 99739, MedGen C0949658, MeSH D024741, MONDO:0024573. Inheritance: Various modes of inheritance.
Dilated cardiomyopathy 1AA (CMD1AA). Also called: Cardiomyopathy, dilated, 1AA, with or without LVNC; CARDIOMYOPATHY, DILATED, 1AA, WITH OR WITHOUT LEFT VENTRICULAR NONCOMPACTION; CARDIOMYOPATHY, FAMILIAL HYPERTROPHIC, 23, WITH OR WITHOUT LEFT VENTRICULAR NONCOMPACTION. Identifiers: Orphanet 154, MedGen C2677338, MONDO:0012808, OMIM 612158.

Allele frequency attached by ClinVar (database versions not stated): gnomAD 0.00001; gnomAD exomes 0.00001 and 0.00002; ExAC 0.00002.
gnomAD v4.1: 18 of 1,614,126 alleles (0.0011%); highest among the groups gnomAD compares: South Asian, 0.02%; no homozygotes.

Submissions (2):

Labcorp Genetics (formerly Invitae), Labcorp
Classification: Uncertain significance for Primary familial hypertrophic cardiomyopathy; Dilated cardiomyopathy 1AA. Last evaluated: 2025-05-26. Review status: criteria provided, single submitter. Criteria: Invitae Variant Classification Sherloc (09022015). Collection method: clinical testing. Allele origin: germline.
Comment: This sequence change replaces glutamine, which is neutral and polar, with arginine, which is basic and polar, at codon 680 of the ACTN2 protein (p.Gln680Arg). This variant is present in population databases (rs756567639, gnomAD 0.01%). This variant has not been reported in the literature in individuals affected with ACTN2-related conditions. ClinVar contains an entry for this variant (Variation ID: 1400743). Invitae Evidence Modeling of protein sequence and biophysical properties (such as structural, functional, and spatial information, amino acid conservation, physicochemical variation, residue mobility, and thermodynamic stability) indicates that this missense variant is not expected to disrupt ACTN2 protein function with a negative predictive value of 80%. In summary, the available evidence is currently insufficient to determine the role of this variant in disease. Therefore, it has been classified as a Variant of Uncertain Significance.

GeneDx
Classification: Uncertain significance. Last evaluated: 2024-07-12. Review status: criteria provided, single submitter. Criteria: GeneDx Variant Classification Process June 2021. Collection method: clinical testing. Allele origin: germline. Affected: yes.
Comment: Has not been previously published as pathogenic or benign to our knowledge; Not observed at significant frequency in large population cohorts (gnomAD); In silico analysis indicates that this missense variant does not alter protein structure/function